The following is an entry in ClinVar:

ClinVar aggregate classification (germline): Likely pathogenic (1 of 4 stars; one submission).

Conditions:
Deficiency of 2-methylbutyryl-CoA dehydrogenase (ACADSB). Also called: 2-methylbutyrylglycinuria; 2-methylbutyryl-CoA dehydrogenase deficiency; SBCAD deficiency; 2-methylbutyric aciduria; Short branched-chain acyl-CoA dehydrogenase deficiency. Identifiers: Orphanet 79157, MedGen C1864912, MONDO:0012392, OMIM 610006, HP:0020147.

Submission:

Juno Genomics, Hangzhou Juno Genomics, Inc
Classification: Likely pathogenic for Deficiency of 2-methylbutyryl-CoA dehydrogenase. Review status: criteria provided, single submitter. Criteria: ACMG Guidelines, 2015. Collection method: clinical testing. Allele origin: germline.
Comment: Absent from controls (or at extremely low frequency if recessive) in Genome Aggregation Database.;Null variant in a gene where loss of function (LOF) is a known mechanism of disease.

NM_001609.4(ACADSB):c.597T>A (p.Tyr199Ter)

Gene: ACADSB (acyl-CoA dehydrogenase short/branched chain; plus strand). Cytogenetic location: 10q26.13.
Variant type: single nucleotide variant.
Coding change: c.597T>A on transcript NM_001609.4 (MANE Select); coding-DNA position 597, T replaced by A.
Protein change: p.Tyr199Ter; replaces tyrosine 199 with a stop codon.
Molecular consequence: nonsense.
Genome position (GRCh38, 1-based): chr10:123,041,295, T>A. VCF-style: chr10-123041295-T-A. GRCh37 (hg19) VCF-style: chr10-124800811-T-A.
Other names: c.291T>A, p.Tyr97Ter (NM_001330174.3); short protein forms Y199*, Y97*.
Identifiers: ClinVar variation 5019630 (VCV005019630.2).